The following is an entry in ClinVar:

ClinVar aggregate classification (germline): Pathogenic. Review status: reviewed by expert panel (3 of 4 stars). 2 submissions from 2 submitters: Pathogenic (1). 1 of the submissions does not count toward it. Last evaluated 2017-12-15.

Conditions:
Breast-ovarian cancer, familial, susceptibility to, 1 (BROVCA1). Also called: BRCA1 Hereditary Breast and Ovarian Cancer; OVARIAN CANCER, SUSCEPTIBILITY TO. Identifiers: Orphanet 145, MedGen C2676676, MONDO:0011450, OMIM 604370. Disease mechanism: loss of function.

Submissions (2):

Evidence-based Network for the Interpretation of Germline Mutant Alleles (ENIGMA)
Classification: Pathogenic for Breast-ovarian cancer, familial, susceptibility to, 1. Last evaluated: 2017-12-15. Review status: reviewed by expert panel. Criteria: ENIGMA BRCA1/2 Classification Criteria (2017-06-29). Collection method: curation. Allele origin: germline. Study: ENIGMA.
Comment: Variant allele predicted to encode a truncated non-functional protein.

GeneDx
Classification: Pathogenic. Last evaluated: 2015-01-30. Review status: criteria provided, single submitter. Criteria: GeneDx Variant Classification (06012015). Collection method: clinical testing. Allele origin: germline. Affected: yes. Not counted in ClinVar's aggregate classification.
Comment: This deletion of 2 nucleotides in BRCA1 is denoted c.5532_5533delCT at the cDNA level and p.Tyr1845ProfsX34 (Y1845PfsX34) at the protein level. The normal sequence, with the bases that are deleted in brackets, is CACT[CT]ACCA. The deletion causes a frameshift, which changes a Tyrosine to a Proline at codon 1845, and creates a premature stop codon at position 34 of the new reading frame. Even though this frameshift occurs in the last exon of the gene, it is likely to be significant since the last 19 correct amino acids are replaced by 33 incorrect ones, the first ten of which are within the BRCT 2 domain. Although this variant has not, to our knowledge, been reported in the literature, a similar mutation, BRCA1 c.5532_5533insG (p. Tyr1845ValfsX35), has been reported in at least one individual with breast and/or ovarian cancer (Kim 2012). We therefore consider this variant to be pathogenic.

NM_007294.4(BRCA1):c.5532_5533del (p.Tyr1845fs)

Gene: BRCA1 (BRCA1 DNA repair associated; minus strand). Cytogenetic location: 17q21.31.
Variant type: Microsatellite.
Coding change: c.5532_5533del on transcript NM_007294.4 (MANE Select); coding-DNA positions 5532 to 5533, 2 bases deleted (CT; older notation c.5532_5533delCT).
Protein change: p.Tyr1845fs; shifts the reading frame from tyrosine 1845.
Molecular consequence: frameshift variant. On other transcripts: 3 prime UTR variant (1), non-coding transcript variant (1).
Genome position (GRCh38, 1-based): chr17:43,045,737-43,045,738, AG deleted on the plus strand (CT on the coding strand, the reverse complement: BRCA1 is on the minus strand); deleting any 2 consecutive bases within chr17:43,045,737-43,045,740 gives the same sequence; the c. name uses the placement nearest the transcript's 3' end. VCF-style (leftmost placement, unchanged base first): chr17-43045736-TAG-T. GRCh37 (hg19) VCF-style: chr17-41197753-TAG-T.
Other names: c.5532_5533delCT (NM_007294.3); c.1894_1895CT[1], p.Tyr633Profs (NM_001408506.1); c.1891_1892CT[1], p.Tyr632Profs (NM_001408507.1); c.1882_1883CT[1], p.Tyr629Profs (NM_001408508.1); c.1879_1880CT[1], p.Tyr628Profs (NM_001408509.1); c.1840_1841CT[1], p.Tyr615Profs (NM_001408510.1); c.1837_1838CT[1], p.Tyr614Profs (NM_001408511.1); c.1717_1718CT[1], p.Tyr574Profs (NM_001408512.1); and 78 more; short protein forms Y1845fs, Y741fs, Y1866fs, Y1798fs.
Identifiers: ClinVar variation 418073 (VCV000418073.3), dbSNP rs1064793059, ClinGen allele CA16620417.
Genomic context (GRCh38, chr17:43,045,736, plus strand): 5'-AGTCAGTAGTGGCTGTGGGGGATCTGGGGTATCAGGTAGGTGTCCAGCTCCTGGCACTGG[TAG>T]AGTGCTACACTGTCCAACACCCACTCTCGGGTCACCACAGGTGCCTCACACATCTGCCCA-3'